The following is an entry in ClinVar:

ClinVar aggregate classification (germline): Likely pathogenic. Review status: criteria provided, multiple submitters, no conflicts (2 of 4 stars). 3 submissions from 3 submitters: Likely pathogenic (3). Last evaluated 2025-06-20.

Conditions:
HIST1H1E-related disorders.
Rahman syndrome. Also called: HIST1H1E Syndrome. Identifiers: Orphanet 642763, MedGen C4479637, MONDO:0044323, OMIM 617537.

Submissions (3):

Human Genetics Bochum, Ruhr University Bochum
Classification: Likely pathogenic for Rahman syndrome. Last evaluated: 2025-06-20. Review status: criteria provided, single submitter. Criteria: ACMG Guidelines, 2015. Collection method: clinical testing. Allele origin: germline. Affected: yes.
Comment: ACMG criteria used to clasify this variant: PVS1, PM2_SUP

Provincial Medical Genetics Program of British Columbia, University of British Columbia
Classification: Likely pathogenic for Rahman syndrome. Last evaluated: 2022-01-01. Review status: criteria provided, single submitter. Criteria: ACMG Guidelines, 2015. Collection method: clinical testing. Allele origin: de novo. Affected: yes.

Blueprint Genetics
Classification: Likely pathogenic for HIST1H1E-related disorders. Last evaluated: 2019-05-23. Review status: criteria provided, single submitter. Criteria: ACMG Guidelines, 2015. Collection method: clinical testing. Allele origin: germline. Affected: yes. Observed: 1 variant allele.

NM_005321.3(H1-4):c.509_549del (p.Ala170fs)

Gene: H1-4 (H1.4 linker histone, cluster member; plus strand). Cytogenetic location: 6p22.2.
Variant type: Deletion.
Coding change: c.509_549del on transcript NM_005321.3 (MANE Select); coding-DNA positions 509 to 549, 41 bases deleted.
Protein change: p.Ala170fs; shifts the reading frame from alanine 170.
Molecular consequence: frameshift variant.
Genome position (GRCh38, 1-based): chr6:26,156,899-26,156,939, 41 bases deleted; deleting any 41 consecutive bases within chr6:26,156,888-26,156,939 gives the same sequence; the c. name uses the placement nearest the transcript's 3' end. GRCh37 (hg19): chr6:26,157,127-26,157,167.
Other names: short protein forms A170fs.
Identifiers: ClinVar variation 1527962 (VCV001527962.4), dbSNP rs2113827331, ClinGen allele CA2573140175.